The following is an entry in ClinVar:

NM_001018113.3(FANCB):c.2055C>G (p.Ile685Met)

Gene: FANCB (FA complementation group B; minus strand). Cytogenetic location: Xp22.2.
Variant type: single nucleotide variant.
Coding change: c.2055C>G on transcript NM_001018113.3 (MANE Select); coding-DNA position 2055, C replaced by G.
Protein change: p.Ile685Met; replaces isoleucine 685 with methionine.
Molecular consequence: missense variant.
Genome position (GRCh38, 1-based): chrX:14,844,613, G>C on the plus strand (C>G on the coding strand, the complement: FANCB is on the minus strand). VCF-style: chrX-14844613-G-C. GRCh37 (hg19) VCF-style: chrX-14862735-G-C.
Other names: c.2055C>G, p.Ile685Met (NM_001324162.2, NM_001410764.1, NM_152633.4); short protein forms I685M.
Identifiers: ClinVar variation 2902746 (VCV002902746.3), dbSNP rs2518950921, ClinGen allele CA412438580.

ClinVar aggregate classification (germline): Uncertain significance (1 of 4 stars; one submission).

Conditions:
Fanconi anemia (FA). Also called: Fanconi's anemia. Identifiers: Orphanet 84, MedGen C0015625, MeSH D005199, MONDO:0019391.

Submission:

Labcorp Genetics (formerly Invitae), Labcorp
Classification: Uncertain significance for Fanconi anemia. Last evaluated: 2023-02-09. Review status: criteria provided, single submitter. Criteria: Invitae Variant Classification Sherloc (09022015). Collection method: clinical testing. Allele origin: germline.
Comment: In summary, the available evidence is currently insufficient to determine the role of this variant in disease. Therefore, it has been classified as a Variant of Uncertain Significance. Advanced modeling of protein sequence and biophysical properties (such as structural, functional, and spatial information, amino acid conservation, physicochemical variation, residue mobility, and thermodynamic stability) has been performed at Invitae for this missense variant, however the output from this modeling did not meet the statistical confidence thresholds required to predict the impact of this variant on FANCB protein function. This variant has not been reported in the literature in individuals affected with FANCB-related conditions. This variant is not present in population databases (gnomAD no frequency). This sequence change replaces isoleucine, which is neutral and non-polar, with methionine, which is neutral and non-polar, at codon 685 of the FANCB protein (p.Ile685Met).